The following is an entry in ClinVar:

NM_001999.4(FBN2):c.2479C>T (p.Arg827Ter)

Gene: FBN2 (fibrillin 2; minus strand). Cytogenetic location: 5q23.3.
Variant type: single nucleotide variant.
Coding change: c.2479C>T on transcript NM_001999.4 (MANE Select); coding-DNA position 2479, C replaced by T.
Protein change: p.Arg827Ter; replaces arginine 827 with a stop codon.
Molecular consequence: nonsense.
Genome position (GRCh38, 1-based): chr5:128,361,798, G>A on the plus strand (C>T on the coding strand, the complement: FBN2 is on the minus strand). VCF-style: chr5-128361798-G-A. GRCh37 (hg19) VCF-style: chr5-127697491-G-A.
Other names: short protein forms R827*.
Identifiers: ClinVar variation 2630149 (VCV002630149.2), dbSNP rs574985859, ClinGen allele CA360768066.

ClinVar aggregate classification (germline): Uncertain significance (1 of 4 stars; one submission).

Conditions:
FBN2-related disorder. Also called: FBN2-related condition.

gnomAD v4.1: 2 of 1,613,980 alleles (0.00012%); highest among the groups gnomAD compares: Non-Finnish European, 0.00017%; no homozygotes.

Submission:

PreventionGenetics, part of Exact Sciences
Classification: Uncertain significance for FBN2-related condition. Last evaluated: 2026-09-16. Review status: criteria provided, single submitter. Criteria: ACMG Guidelines, 2015. Collection method: clinical testing. Allele origin: germline.
Comment: The FBN2 c.2479C>T variant is predicted to result in premature protein termination (p.Arg827*). To our knowledge, this variant has not been reported in the literature. This variant is reported in 0.00088% of alleles in individuals of European (Non-Finnish) descent in gnomAD. The majority of disease-causing variants in FBN2 are missense. A relatively smaller number of premature termination variants have been associated with disease, but this mechanism is not definitively established. Although we suspect that this variant may be pathogenic, at this time, the clinical significance of this variant is uncertain due to the absence of conclusive functional and genetic evidence.